The following is an entry in ClinVar:

NM_139027.6(ADAMTS13):c.1911G>T (p.Leu637=)

Gene: ADAMTS13 (ADAM metallopeptidase with thrombospondin type 1 motif 13; plus strand). Cytogenetic location: 9q34.2.
Variant type: single nucleotide variant.
Coding change: c.1911G>T on transcript NM_139027.6 (MANE Select); coding-DNA position 1911, G replaced by T.
Protein change: p.Leu637=; no amino-acid change (leucine 637 retained).
Molecular consequence: synonymous variant. On other transcripts: non-coding transcript variant (1).
Genome position (GRCh38, 1-based): chr9:133,440,468, G>T. VCF-style: chr9-133440468-G-T. GRCh37 (hg19) VCF-style: chr9-136305589-G-T.
Other names: c.1911G>T, p.Leu637= (NM_139025.5); c.1818G>T, p.Leu606= (NM_139026.6).
Identifiers: ClinVar variation 912718 (VCV000912718.4), dbSNP rs1841587519, ClinGen allele CA1139661313.

ClinVar aggregate classification (germline): Uncertain significance (1 of 4 stars; one submission).

Conditions:
Upshaw-Schulman syndrome (TTP). Also called: THROMBOTIC THROMBOCYTOPENIC PURPURA, HEREDITARY; Congenital thrombotic thrombocytopenic purpura. Identifiers: Orphanet 93583, MedGen C1268935, MONDO:0010122, OMIM 274150.

Submission:

Illumina Laboratory Services, Illumina
Classification: Uncertain significance for Upshaw-Schulman syndrome. Last evaluated: 2017-04-27. Review status: criteria provided, single submitter. Criteria: ICSL Variant Classification Criteria 13 December 2019. Collection method: clinical testing. Allele origin: germline.
Comment: This variant was observed as part of a predisposition screen in an ostensibly healthy population. A literature search was performed for the gene, cDNA change, and amino acid change (where applicable). Publications were found based on this search. However, the evidence from the literature, in combination with allele frequency data from public databases where available, was not sufficient to rule this variant in or out of causing disease. Therefore, this variant is classified as a variant of unknown significance.

Literature cited by the submitters: PubMed 22289888.